The following is an entry in ClinVar:

ClinVar aggregate classification (germline): Uncertain significance (1 of 4 stars; one submission).

Conditions:
Hereditary nonpolyposis colorectal neoplasms. Identifiers: MedGen C0009405, MeSH D003123.

Submission:

Labcorp Genetics (formerly Invitae), Labcorp
Classification: Uncertain significance for Hereditary nonpolyposis colorectal neoplasms. Last evaluated: 2024-05-13. Review status: criteria provided, single submitter. Criteria: Invitae Variant Classification Sherloc (09022015). Collection method: clinical testing. Allele origin: germline.
Comment: This sequence change replaces glycine, which is neutral and non-polar, with cysteine, which is neutral and slightly polar, at codon 452 of the PMS2 protein (p.Gly452Cys). This variant is not present in population databases (gnomAD no frequency). This variant has not been reported in the literature in individuals affected with PMS2-related conditions. ClinVar contains an entry for this variant (Variation ID: 237885). Advanced modeling of protein sequence and biophysical properties (such as structural, functional, and spatial information, amino acid conservation, physicochemical variation, residue mobility, and thermodynamic stability) performed at Invitae indicates that this missense variant is not expected to disrupt PMS2 protein function with a negative predictive value of 80%. In summary, the available evidence is currently insufficient to determine the role of this variant in disease. Therefore, it has been classified as a Variant of Uncertain Significance.

NM_000535.7(PMS2):c.1354G>T (p.Gly452Cys)

Gene: PMS2 (PMS1 homolog 2, mismatch repair system component; minus strand). Cytogenetic location: 7p22.1.
Variant type: single nucleotide variant.
Coding change: c.1354G>T on transcript NM_000535.7 (MANE Select); coding-DNA position 1354, G replaced by T.
Protein change: p.Gly452Cys; replaces glycine 452 with cysteine.
Molecular consequence: missense variant. On other transcripts: non-coding transcript variant (1).
Genome position (GRCh38, 1-based): chr7:5,987,411, C>A on the plus strand (G>T on the coding strand, the complement: PMS2 is on the minus strand). VCF-style: chr7-5987411-C-A. GRCh37 (hg19) VCF-style: chr7-6027042-C-A.
Other names: c.949G>T, p.Gly317Cys (NM_001322003.2, NM_001322004.2, NM_001322005.2 and 1 more transcripts); c.1198G>T, p.Gly400Cys (NM_001322006.2); c.1036G>T, p.Gly346Cys (NM_001322007.2, NM_001322008.2); c.793G>T, p.Gly265Cys (NM_001322010.2); c.421G>T, p.Gly141Cys (NM_001322011.2, NM_001322012.2); c.781G>T, p.Gly261Cys (NM_001322013.2); c.1354G>T, p.Gly452Cys (NM_001322014.2); c.1045G>T, p.Gly349Cys (NM_001322015.2); short protein forms G452C, G261C, G265C, G317C, G346C, G349C, G141C, G400C.
Identifiers: ClinVar variation 237885 (VCV000237885.10), dbSNP rs569947936, ClinGen allele CA10582510.